The following is an entry in ClinVar:

NM_181882.3(PRX):c.1864C>T (p.Gln622Ter)

Gene: PRX (periaxin; minus strand). Cytogenetic location: 19q13.2.
Variant type: single nucleotide variant.
Coding change: c.1864C>T on transcript NM_181882.3 (MANE Select); coding-DNA position 1864, C replaced by T.
Protein change: p.Gln622Ter; replaces glutamine 622 with a stop codon.
Molecular consequence: nonsense. On other transcripts: 3 prime UTR variant (1).
Genome position (GRCh38, 1-based): chr19:40,396,488, G>A on the plus strand (C>T on the coding strand, the complement: PRX is on the minus strand). VCF-style: chr19-40396488-G-A. GRCh37 (hg19) VCF-style: chr19-40902395-G-A.
Other names: c.*2069C>T (NM_020956.2); short protein forms Q622*.
Identifiers: ClinVar variation 637509 (VCV000637509.14), dbSNP rs1210729449, ClinGen allele CA405897504.
Genomic context (GRCh38, chr19:40,396,488, plus strand): 5'-GGAGTTTCACCTCAGGGAGTTTCATCTCAGGGAGCTTCATCTCTGGGACTTTTGGAAGCT[G>A]CACTTCTGGGAGGTGCACATCGGGCACGGCCATCTCGGGCACCTTCGGGAGTTGCACTTC-3'

ClinVar aggregate classification (germline): Pathogenic/Likely pathogenic. Review status: criteria provided, multiple submitters, no conflicts (2 of 4 stars). 3 submissions from 3 submitters: Pathogenic (1); Likely pathogenic (1). 1 of the submissions does not count toward it. Last evaluated 2021-06-21.

Conditions:
Charcot-Marie-Tooth disease. Also called: Charcot-Marie-Tooth Hereditary Neuropathy; Charcot-Marie-Tooth Neuropathy. Identifiers: Orphanet 166, MedGen C0007959, MONDO:0015626.
Charcot-Marie-Tooth disease type 4. Also called: Charcot-Marie-Tooth, Type 4; Charcot-Marie-Tooth disease, type IV. Identifiers: Orphanet 64749, MedGen C4082197, MONDO:0018995.

Allele frequency attached by ClinVar (database versions not stated): gnomAD 0.00001; TOPMed 0.00002.
gnomAD v4.1: 2 of 1,612,942 alleles (0.00012%); highest among the groups gnomAD compares: Non-Finnish European, 0.00017%; no homozygotes.

Submissions (3):

Revvity Omics, Revvity
Classification: Likely pathogenic. Last evaluated: 2021-06-21. Review status: criteria provided, single submitter. Criteria: ACMG Guidelines, 2015. Collection method: clinical testing. Allele origin: germline.

Labcorp Genetics (formerly Invitae), Labcorp
Classification: Pathogenic for Charcot-Marie-Tooth disease type 4. Last evaluated: 2021-04-05. Review status: criteria provided, single submitter. Criteria: Invitae Variant Classification Sherloc (09022015). Collection method: clinical testing. Allele origin: germline.
Comment: For these reasons, this variant has been classified as Pathogenic. This variant disrupts the C-terminus of the PRX protein. Other variant(s) that disrupt this region (p.Cys715*) have been determined to be pathogenic (PMID: 12112076). This suggests that variants that disrupt this region of the protein are likely to be causative of disease. This variant has been observed in individual(s) with Charcot-Marie-Tooth disease (Invitae). In at least one individual the data is consistent with the variant being in trans (on the opposite chromosome) from a pathogenic variant. This variant is not present in population databases (ExAC no frequency). This sequence change results in a premature translational stop signal in the PRX gene (p.Gln622*). While this is not anticipated to result in nonsense mediated decay, it is expected to disrupt the last 840 amino acids of the PRX protein.

Inherited Neuropathy Consortium
Classification: Pathogenic for Charcot-Marie-Tooth disease. Review status: no assertion criteria provided. Collection method: literature only. Allele origin: germline. Affected: yes. Not counted in ClinVar's aggregate classification.

Literature cited by the submitters: PubMed 12112076 (cited by Labcorp Genetics (formerly Invitae), Labcorp); PubMed 25614874 (cited by Inherited Neuropathy Consortium).